The following is an entry in ClinVar:

NM_001127898.4(CLCN5):c.1488T>C (p.Ser496=)

Gene: CLCN5 (Cl-/H+ antiporter 5; plus strand). Cytogenetic location: Xp11.23.
Variant type: single nucleotide variant.
Coding change: c.1488T>C on transcript NM_001127898.4 (MANE Select); coding-DNA position 1488, T replaced by C.
Protein change: p.Ser496=; no amino-acid change (serine 496 retained).
Molecular consequence: synonymous variant.
Genome position (GRCh38, 1-based): chrX:50,086,801, T>C. VCF-style: chrX-50086801-T-C. GRCh37 (hg19) VCF-style: chrX-49851458-T-C.
Other names: c.1278T>C, p.Ser426= (NM_000084.5); c.1488T>C, p.Ser496= (NM_001127899.4); c.1338T>C, p.Ser446= (NM_001282163.2).
Identifiers: ClinVar variation 914835 (VCV000914835.7), dbSNP rs781920581, ClinGen allele CA10413889.

ClinVar aggregate classification (germline): Benign/Likely benign. Review status: criteria provided, multiple submitters, no conflicts (2 of 4 stars). 2 submissions from 2 submitters: Benign (1); Likely benign (1). Last evaluated 2024-05-01.

Conditions:
Dent disease type 1 (DENT1). Also called: NEPHROLITHIASIS 2; NEPHROLITHIASIS, HYPERCALCIURIC, X-LINKED. Identifiers: Orphanet 1652, Orphanet 93622, MedGen C1848336, MONDO:0010225, OMIM 300009.

Allele frequency attached by ClinVar (database versions not stated): gnomAD 0.00001; gnomAD exomes 0.00001 and 0.00002; ExAC 0.00002; TOPMed 0.00002.
gnomAD v4.1: 7 of 1,209,030 alleles (0.00058%); highest among the groups gnomAD compares: Admixed American, 0.011%; no homozygotes.

Submissions (2):

Labcorp Genetics (formerly Invitae), Labcorp
Classification: Likely benign. Last evaluated: 2024-05-01. Review status: criteria provided, single submitter. Criteria: Invitae Variant Classification Sherloc (09022015). Collection method: clinical testing. Allele origin: germline.

Illumina Laboratory Services, Illumina
Classification: Benign for Dent disease type 1. Last evaluated: 2018-01-12. Review status: criteria provided, single submitter. Criteria: ICSL Variant Classification Criteria 13 December 2019. Collection method: clinical testing. Allele origin: germline.
Comment: This variant was observed in the ICSL laboratory as part of a predisposition screen in an ostensibly healthy population. It had not been previously curated by ICSL or reported in the Human Gene Mutation Database (HGMD: prior to June 1st, 2018), and was therefore a candidate for classification through an automated scoring system. Utilizing variant allele frequency, disease prevalence and penetrance estimates, and inheritance mode, an automated score was calculated to assess if this variant is too frequent to cause the disease. Based on the score and internal cut-off values, a variant classified as benign is not then subjected to further curation. The score for this variant resulted in a classification of benign for this disease.